The following is an entry in ClinVar:

NM_016734.3(PAX5):c.445C>A (p.Gln149Lys)

Genes: PAX5 (paired box 5; minus strand), LOC105376032 (uncharacterized LOC105376032; plus strand). Cytogenetic location: 9p13.2.
Variant type: single nucleotide variant.
Coding change: c.445C>A on transcript NM_016734.3 (MANE Select); coding-DNA position 445, C replaced by A.
Protein change: p.Gln149Lys; replaces glutamine 149 with lysine.
Molecular consequence: missense variant. On other transcripts: non-coding transcript variant (2).
Genome position (GRCh38, 1-based): chr9:37,006,503, G>T on the plus strand (C>A on the coding strand, the complement: PAX5 is on the minus strand). VCF-style: chr9-37006503-G-T. GRCh37 (hg19) VCF-style: chr9-37006500-G-T.
Other names: c.445C>A, p.Gln149Lys (NM_001280547.2, NM_001280548.2, NM_001280549.2 and 4 more transcripts); c.121C>A, p.Gln41Lys (NM_001280551.2, NM_001280556.2); c.247C>A, p.Gln83Lys (NM_001280555.2); short protein forms Q83K, Q149K, Q41K.
Identifiers: ClinVar variation 3885903 (VCV003885903.1).

ClinVar aggregate classification (germline): Uncertain significance (1 of 4 stars; one submission).

Conditions:
Inborn genetic diseases. Identifiers: MedGen C0950123, MeSH D030342.

Submission:

Ambry Genetics
Classification: Uncertain significance for Inborn genetic diseases. Last evaluated: 2024-12-29. Review status: criteria provided, single submitter. Criteria: Ambry Variant Classification Scheme 2023. Collection method: clinical testing. Allele origin: germline.
Comment: The p.Q149K variant (also known as c.445C>A), located in coding exon 4 of the PAX5 gene, results from a C to A substitution at nucleotide position 445. The glutamine at codon 149 is replaced by lysine, an amino acid with similar properties. This amino acid position is conserved. In addition, the in silico prediction for this alteration is inconclusive. Based on the available evidence, the clinical significance of this variant remains unclear.